The following is an entry in ClinVar:

ClinVar aggregate classification (germline): Benign/Likely benign. Review status: criteria provided, multiple submitters, no conflicts (2 of 4 stars). 6 submissions from 6 submitters: Benign (2); Likely benign (3). 1 of the submissions does not count toward it. Last evaluated 2026-01-19.

Conditions:
ABHD12-related disorder. Also called: ABHD12-related condition.

Allele frequency attached by ClinVar (database versions not stated): 1000 Genomes Project 30x 0.00172; 1000 Genomes Project 0.00220.
gnomAD v4.1: 346 of 1,172,954 alleles (0.029%); highest among the groups gnomAD compares: African/African-American, 0.55%; no homozygotes.

Submissions (6):

Labcorp Genetics (formerly Invitae), Labcorp
Classification: Benign. Last evaluated: 2026-01-19. Review status: criteria provided, single submitter. Criteria: Invitae Variant Classification Sherloc (09022015). Collection method: clinical testing. Allele origin: germline.

CeGaT Center for Human Genetics Tuebingen
Classification: Likely benign. Last evaluated: 2025-08-01. Review status: criteria provided, single submitter. Criteria: CeGaT Center For Human Genetics Tuebingen Variant Classification Criteria Version 2. Collection method: clinical testing. Allele origin: germline. Affected: yes. Observed: 1 variant allele.
Comment: ABHD12: BP4

Blueprint Genetics
Classification: Likely benign. Last evaluated: 2024-07-15. Review status: criteria provided, single submitter. Criteria: ACMG Guidelines, 2015. Collection method: clinical testing. Allele origin: germline.

GeneDx
Classification: Benign. Last evaluated: 2019-05-16. Review status: criteria provided, single submitter. Criteria: GeneDx Variant Classification Process June 2021. Collection method: clinical testing. Allele origin: germline. Affected: yes.

Breakthrough Genomics
Classification: Likely benign. Review status: criteria provided, single submitter. Criteria: ACMG Guidelines, 2015. Collection method: not provided. Allele origin: germline. Inheritance: Autosomal recessive inheritance. Affected: yes.

PreventionGenetics, part of Exact Sciences
Classification: Likely benign for ABHD12-related condition. Last evaluated: 2020-03-20. Review status: no assertion criteria provided. Collection method: clinical testing. Allele origin: germline. Not counted in ClinVar's aggregate classification.
Comment: This variant is classified as likely benign based on ACMG/AMP sequence variant interpretation guidelines (Richards et al. 2015 PMID: 25741868, with internal and published modifications).

NM_001042472.3(ABHD12):c.189C>G (p.Gly63=)

Gene: ABHD12 (abhydrolase domain containing 12, lysophospholipase; minus strand). Cytogenetic location: 20p11.21.
Variant type: single nucleotide variant.
Coding change: c.189C>G on transcript NM_001042472.3 (MANE Select); coding-DNA position 189, C replaced by G.
Protein change: p.Gly63=; no amino-acid change (glycine 63 retained).
Molecular consequence: synonymous variant.
Genome position (GRCh38, 1-based): chr20:25,390,515, G>C on the plus strand (C>G on the coding strand, the complement: ABHD12 is on the minus strand). VCF-style: chr20-25390515-G-C. GRCh37 (hg19) VCF-style: chr20-25371151-G-C.
Other names: c.189C>G, p.Gly63= (NM_015600.5).
Identifiers: ClinVar variation 1168257 (VCV001168257.22), dbSNP rs567546607, ClinGen allele CA9796306.